The following is an entry in ClinVar:

ClinVar aggregate classification (germline): Uncertain significance. Review status: criteria provided, multiple submitters, no conflicts (2 of 4 stars). 3 submissions from 3 submitters: Uncertain significance (2). 1 of the submissions does not count toward it. Last evaluated 2025-04-02.

Conditions:
Inborn genetic diseases. Identifiers: MedGen C0950123, MeSH D030342.
HERC1-related disorder. Also called: HERC1-related condition.

Allele frequency attached by ClinVar (database versions not stated): gnomAD exomes 0.00004; ExAC 0.00006; gnomAD 0.00006; TOPMed 0.00006; ESP Exome Variant Server 0.00008.
gnomAD v4.1: 134 of 1,598,204 alleles (0.0084%); highest among the groups gnomAD compares: Non-Finnish European, 0.01%; no homozygotes.

Submissions (3):

Ambry Genetics
Classification: Uncertain significance for Inborn genetic diseases. Last evaluated: 2025-04-02. Review status: criteria provided, single submitter. Criteria: Ambry Variant Classification Scheme 2023. Collection method: clinical testing. Allele origin: germline.

Labcorp Genetics (formerly Invitae), Labcorp
Classification: Uncertain significance. Last evaluated: 2021-04-11. Review status: criteria provided, single submitter. Criteria: Invitae Variant Classification Sherloc (09022015). Collection method: clinical testing. Allele origin: germline.
Comment: Algorithms developed to predict the effect of missense changes on protein structure and function (SIFT, PolyPhen-2, Align-GVGD) all suggest that this variant is likely to be disruptive, but these predictions have not been confirmed by published functional studies and their clinical significance is uncertain. In summary, the available evidence is currently insufficient to determine the role of this variant in disease. Therefore, it has been classified as a Variant of Uncertain Significance. This variant has not been reported in the literature in individuals with HERC1-related conditions. This variant is present in population databases (rs372626972, ExAC 0.01%). This sequence change replaces valine with leucine at codon 3599 of the HERC1 protein (p.Val3599Leu). The valine residue is highly conserved and there is a small physicochemical difference between valine and leucine.

PreventionGenetics, part of Exact Sciences
Classification: Uncertain significance for HERC1-related condition. Last evaluated: 2024-06-03. Review status: no assertion criteria provided. Collection method: clinical testing. Allele origin: germline. Not counted in ClinVar's aggregate classification.
Comment: The HERC1 c.10795G>C variant is predicted to result in the amino acid substitution p.Val3599Leu. To our knowledge, this variant has not been reported in the literature. This variant is reported in 0.0088% of alleles in individuals of African descent in gnomAD. At this time, the clinical significance of this variant is uncertain due to the absence of conclusive functional and genetic evidence.

NM_003922.4(HERC1):c.10795G>C (p.Val3599Leu)

Gene: HERC1 (HECT and RLD domain containing E3 ubiquitin protein ligase family member 1; minus strand). Cytogenetic location: 15q22.31.
Variant type: single nucleotide variant.
Coding change: c.10795G>C on transcript NM_003922.4 (MANE Select); coding-DNA position 10795, G replaced by C.
Protein change: p.Val3599Leu; replaces valine 3599 with leucine.
Molecular consequence: missense variant.
Genome position (GRCh38, 1-based): chr15:63,648,152, C>G on the plus strand (G>C on the coding strand, the complement: HERC1 is on the minus strand). VCF-style: chr15-63648152-C-G. GRCh37 (hg19) VCF-style: chr15-63940351-C-G.
Other names: c.10795G>C (NM_003922.3); short protein forms V3599L.
Identifiers: ClinVar variation 1363678 (VCV001363678.12), dbSNP rs372626972, ClinGen allele CA7604374.